The following is an entry in ClinVar:

NM_004655.4(AXIN2):c.809G>A (p.Gly270Glu)

Gene: AXIN2 (axin 2; minus strand). Cytogenetic location: 17q24.1.
Variant type: single nucleotide variant.
Coding change: c.809G>A on transcript NM_004655.4 (MANE Select); coding-DNA position 809, G replaced by A.
Protein change: p.Gly270Glu; replaces glycine 270 with glutamic acid.
Molecular consequence: missense variant.
Genome position (GRCh38, 1-based): chr17:65,557,812, C>T on the plus strand (G>A on the coding strand, the complement: AXIN2 is on the minus strand). VCF-style: chr17-65557812-C-T. GRCh37 (hg19) VCF-style: chr17-63553930-C-T.
Other names: c.809G>A, p.Gly270Glu (NM_001363813.1); short protein forms G270E.
Identifiers: ClinVar variation 2862406 (VCV002862406.4), dbSNP rs2544246697, ClinGen allele CA400680192.

ClinVar aggregate classification (germline): Uncertain significance. Review status: criteria provided, multiple submitters, no conflicts (2 of 4 stars). 2 submissions from 2 submitters: Uncertain significance (2). Last evaluated 2026-07-06.

Conditions:
Oligodontia-cancer predisposition syndrome. Also called: TOOTH AGENESIS-COLORECTAL CANCER SYNDROME. Identifiers: Orphanet 300576, MedGen C1837750, MONDO:0012075, OMIM 608615. Disease mechanism: loss of function.
Hereditary cancer-predisposing syndrome. Also called: Hereditary Cancer Syndrome; Hereditary neoplastic syndrome; Neoplastic Syndromes, Hereditary; Tumor predisposition. Identifiers: Orphanet 140162, MedGen C0027672, MeSH D009386, MONDO:0015356.

Submissions (2):

Ambry Genetics
Classification: Uncertain significance for Hereditary cancer-predisposing syndrome. Last evaluated: 2026-07-06. Review status: criteria provided, single submitter. Criteria: Ambry Variant Classification Scheme 2023. Collection method: clinical testing. Allele origin: germline.
Comment: The p.G270E variant (also known as c.809G>A), located in coding exon 1 of the AXIN2 gene, results from a G to A substitution at nucleotide position 809. The glycine at codon 270 is replaced by glutamic acid, an amino acid with similar properties. This amino acid position is conserved. In addition, the in silico prediction for this alteration is inconclusive. Based on the available evidence, the clinical significance of this variant remains unclear.

Labcorp Genetics (formerly Invitae), Labcorp
Classification: Uncertain significance for Oligodontia-cancer predisposition syndrome. Last evaluated: 2023-05-07. Review status: criteria provided, single submitter. Criteria: Invitae Variant Classification Sherloc (09022015). Collection method: clinical testing. Allele origin: germline.
Comment: Advanced modeling of protein sequence and biophysical properties (such as structural, functional, and spatial information, amino acid conservation, physicochemical variation, residue mobility, and thermodynamic stability) performed at Invitae indicates that this missense variant is not expected to disrupt AXIN2 protein function. This sequence change replaces glycine, which is neutral and non-polar, with glutamic acid, which is acidic and polar, at codon 270 of the AXIN2 protein (p.Gly270Glu). This variant is not present in population databases (gnomAD no frequency). This variant has not been reported in the literature in individuals affected with AXIN2-related conditions. In summary, the available evidence is currently insufficient to determine the role of this variant in disease. Therefore, it has been classified as a Variant of Uncertain Significance.